The following is an entry in ClinVar:

ClinVar aggregate classification (germline): Uncertain significance. Review status: criteria provided, multiple submitters, no conflicts (2 of 4 stars). 2 submissions from 2 submitters: Uncertain significance (2). Last evaluated 2025-02-22.

Conditions:
Deafness-lymphedema-leukemia syndrome. Also called: Emberger syndrome; Lymphedema, primary, with myelodysplasia. Identifiers: Orphanet 3226, MedGen C3279664, MONDO:0013540, OMIM 614038.
Monocytopenia with susceptibility to infections. Also called: GATA2 DEFICIENCY; MONOCYTOPENIA AND MYCOBACTERIAL INFECTION SYNDROME; MONOCYTOPENIA WITH SUSCEPTIBILITY TO MYCOBACTERIAL, FUNGAL, AND PAPILLOMAVIRUS INFECTIONS AND MYELODYSPLASIA; COMBINED IMMUNODEFICIENCY WITH SUSCEPTIBILITY TO MYCOBACTERIAL, VIRAL, AND FUNGAL INFECTIONS; Dendritic cell, monocyte, B lymphocyte, and natural killer lymphocyte deficiency; IMMUNODEFICIENCY 21. Identifiers: Orphanet 228423, MedGen C3280030, MONDO:0013607, OMIM 614172.
Inborn genetic diseases. Identifiers: MedGen C0950123, MeSH D030342.

Allele frequency attached by ClinVar (database versions not stated): TOPMed 0.00001.

Submissions (2):

Ambry Genetics
Classification: Uncertain significance for Inborn genetic diseases. Last evaluated: 2025-02-22. Review status: criteria provided, single submitter. Criteria: Ambry Variant Classification Scheme 2023. Collection method: clinical testing. Allele origin: germline.
Comment: The p.G205E variant (also known as c.614G>A), located in coding exon 2 of the GATA2 gene, results from a G to A substitution at nucleotide position 614. The glycine at codon 205 is replaced by glutamic acid, an amino acid with similar properties. This amino acid position is conserved. In addition, the in silico prediction for this alteration is inconclusive. Based on the available evidence, the clinical significance of this variant remains unclear.

Labcorp Genetics (formerly Invitae), Labcorp
Classification: Uncertain significance for Monocytopenia with susceptibility to infections; Deafness-lymphedema-leukemia syndrome. Last evaluated: 2023-05-30. Review status: criteria provided, single submitter. Criteria: Invitae Variant Classification Sherloc (09022015). Collection method: clinical testing. Allele origin: germline.
Comment: This sequence change replaces glycine, which is neutral and non-polar, with glutamic acid, which is acidic and polar, at codon 205 of the GATA2 protein (p.Gly205Glu). This variant is not present in population databases (gnomAD no frequency). This variant has not been reported in the literature in individuals affected with GATA2-related conditions. Advanced modeling of protein sequence and biophysical properties (such as structural, functional, and spatial information, amino acid conservation, physicochemical variation, residue mobility, and thermodynamic stability) performed at Invitae indicates that this missense variant is not expected to disrupt GATA2 protein function. In summary, the available evidence is currently insufficient to determine the role of this variant in disease. Therefore, it has been classified as a Variant of Uncertain Significance.

NM_032638.5(GATA2):c.614G>A (p.Gly205Glu)

Gene: GATA2 (GATA binding protein 2; minus strand). Cytogenetic location: 3q21.3.
Variant type: single nucleotide variant.
Coding change: c.614G>A on transcript NM_032638.5 (MANE Select); coding-DNA position 614, G replaced by A.
Protein change: p.Gly205Glu; replaces glycine 205 with glutamic acid.
Molecular consequence: missense variant.
Genome position (GRCh38, 1-based): chr3:128,485,984, C>T on the plus strand (G>A on the coding strand, the complement: GATA2 is on the minus strand). VCF-style: chr3-128485984-C-T. GRCh37 (hg19) VCF-style: chr3-128204827-C-T.
Other names: c.614G>A, p.Gly205Glu (NM_001145661.2, NM_001145662.1); short protein forms G205E.
Identifiers: ClinVar variation 2931066 (VCV002931066.4), dbSNP rs2068691095, ClinGen allele CA354406415.